The following is an entry in ClinVar:

ClinVar aggregate classification (germline): Uncertain significance. Review status: criteria provided, multiple submitters, no conflicts (2 of 4 stars). 4 submissions from 4 submitters: Uncertain significance (4). Last evaluated 2026-02-26.

Conditions:
Inborn genetic diseases. Identifiers: MedGen C0950123, MeSH D030342.

Allele frequency attached by ClinVar (database versions not stated): TOPMed 0.00002; gnomAD 0.00003 and 0.00004; ExAC 0.00006.
gnomAD v4.1: 25 of 1,613,900 alleles (0.0015%); highest among the groups gnomAD compares: South Asian, 0.0033%; no homozygotes.

Submissions (4):

Ambry Genetics
Classification: Uncertain significance for Inborn genetic diseases. Last evaluated: 2026-02-26. Review status: criteria provided, single submitter. Criteria: Ambry Variant Classification Scheme 2023. Collection method: clinical testing. Allele origin: germline.

GeneDx
Classification: Uncertain significance. Last evaluated: 2022-07-15. Review status: criteria provided, single submitter. Criteria: GeneDx Variant Classification Process June 2021. Collection method: clinical testing. Allele origin: germline. Affected: yes.
Comment: In silico analysis supports that this missense variant does not alter protein structure/function; Has not been previously published as pathogenic or benign to our knowledge

Labcorp Genetics (formerly Invitae), Labcorp
Classification: Uncertain significance. Last evaluated: 2022-04-26. Review status: criteria provided, single submitter. Criteria: Invitae Variant Classification Sherloc (09022015). Collection method: clinical testing. Allele origin: germline.
Comment: This sequence change replaces aspartic acid, which is acidic and polar, with asparagine, which is neutral and polar, at codon 68 of the HSPG2 protein (p.Asp68Asn). This variant is present in population databases (rs746978748, gnomAD 0.007%). This variant has not been reported in the literature in individuals affected with HSPG2-related conditions. ClinVar contains an entry for this variant (Variation ID: 993725). Algorithms developed to predict the effect of missense changes on protein structure and function (SIFT, PolyPhen-2, Align-GVGD) all suggest that this variant is likely to be tolerated. In summary, the available evidence is currently insufficient to determine the role of this variant in disease. Therefore, it has been classified as a Variant of Uncertain Significance.

ARUP Laboratories, Molecular Genetics and Genomics, ARUP Laboratories
Classification: Uncertain significance. Last evaluated: 2019-08-16. Review status: criteria provided, single submitter. Criteria: ARUP Molecular Germline Variant Investigation Process. Collection method: clinical testing. Allele origin: germline.
Comment: The HSPG2 c.202G>A; p.Asp68Asn variant (rs746978748), to our knowledge, is not reported in the medical literature or gene specific databases. This variant is listed in the Genome Aggregation Database (gnomAD) with an overall population frequency of 0.003 percent (identified on 7 out of 251,136 chromosomes). The aspartic acid at position 68 is weakly conserved and computational analyses of the effects of the p.Asp68Asn variant on protein structure and function is neutral (SIFT: tolerated, PolyPhen-2: benign). Altogether, there is not enough evidence to classify the p.Asp68Asn variant with certainty.

NM_005529.7(HSPG2):c.202G>A (p.Asp68Asn)

Gene: HSPG2 (heparan sulfate proteoglycan 2; minus strand). Cytogenetic location: 1p36.12.
Variant type: single nucleotide variant.
Coding change: c.202G>A on transcript NM_005529.7 (MANE Select); coding-DNA position 202, G replaced by A.
Protein change: p.Asp68Asn; replaces aspartic acid 68 with asparagine.
Molecular consequence: missense variant.
Genome position (GRCh38, 1-based): chr1:21,895,964, C>T on the plus strand (G>A on the coding strand, the complement: HSPG2 is on the minus strand). VCF-style: chr1-21895964-C-T. GRCh37 (hg19) VCF-style: chr1-22222457-C-T.
Other names: c.202G>A, p.Asp68Asn (NM_001291860.2); short protein forms D68N.
Identifiers: ClinVar variation 993725 (VCV000993725.13), dbSNP rs746978748, ClinGen allele CA673980.